The following is an entry in ClinVar:

ClinVar aggregate classification (germline): Benign/Likely benign. Review status: criteria provided, multiple submitters, no conflicts (2 of 4 stars). 8 submissions from 8 submitters: Benign (4); Likely benign (1). 3 of the submissions do not count toward it. Last evaluated 2026-01-29.

Conditions:
HPS5-related disorder. Also called: HPS5-related condition.
Hermansky-Pudlak syndrome 5 (HPS5). Identifiers: Orphanet 231512, Orphanet 79430, MedGen C3888004, MONDO:0013557, OMIM 614074.

Allele frequency attached by ClinVar (database versions not stated): gnomAD exomes 0.00063 and 0.00147; ExAC 0.00180; gnomAD 0.00708 and 0.00654; TOPMed 0.00722; ESP Exome Variant Server 0.00678; 1000 Genomes Project 0.00579; 1000 Genomes Project 30x 0.00625.
gnomAD v4.1: 1,917 of 1,613,532 alleles (0.12%); highest among the groups gnomAD compares: African/African-American, 2.3%; 28 homozygotes.

Submissions (8):

Labcorp Genetics (formerly Invitae), Labcorp
Classification: Benign. Last evaluated: 2026-01-29. Review status: criteria provided, single submitter. Criteria: Invitae Variant Classification Sherloc (09022015). Collection method: clinical testing. Allele origin: germline.

Mayo Clinic Laboratories, Mayo Clinic
Classification: Benign. Last evaluated: 2025-10-09. Review status: criteria provided, single submitter. Criteria: ACMG Guidelines, 2015. Collection method: clinical testing. Allele origin: germline. Observed: 1 variant allele.
Comment: BA1, BS2, BP4, BP7

Fulgent Genetics
Classification: Likely benign for Hermansky-Pudlak syndrome 5. Last evaluated: 2021-09-28. Review status: criteria provided, single submitter. Criteria: ACMG Guidelines, 2015. Collection method: clinical testing. Allele origin: unknown.

Genetic Services Laboratory, University of Chicago
Classification: Benign. Last evaluated: 2019-10-31. Review status: criteria provided, single submitter. Criteria: ACMG Guidelines, 2015. Collection method: clinical testing. Allele origin: germline. Affected: no.

Illumina Laboratory Services, Illumina
Classification: Benign for Hermansky-Pudlak syndrome 5. Last evaluated: 2018-01-13. Review status: criteria provided, single submitter. Criteria: ICSL Variant Classification Criteria 13 December 2019. Collection method: clinical testing. Allele origin: germline.
Comment: This variant was observed in the ICSL laboratory as part of a predisposition screen in an ostensibly healthy population. It had not been previously curated by ICSL or reported in the Human Gene Mutation Database (HGMD: prior to June 1st, 2018), and was therefore a candidate for classification through an automated scoring system. Utilizing variant allele frequency, disease prevalence and penetrance estimates, and inheritance mode, an automated score was calculated to assess if this variant is too frequent to cause the disease. Based on the score and internal cut-off values, a variant classified as benign is not then subjected to further curation. The score for this variant resulted in a classification of benign for this disease.

PreventionGenetics, part of Exact Sciences
Classification: Benign for HPS5-related condition. Last evaluated: 2019-10-18. Review status: no assertion criteria provided. Collection method: clinical testing. Allele origin: germline. Not counted in ClinVar's aggregate classification.
Comment: This variant is classified as benign based on ACMG/AMP sequence variant interpretation guidelines (Richards et al. 2015 PMID: 25741868, with internal and published modifications).

Clinical Genetics DNA and cytogenetics Diagnostics Lab, Erasmus MC, Erasmus Medical Center
Classification: Benign. Review status: no assertion criteria provided. Collection method: clinical testing. Allele origin: germline. Affected: yes. Study: VKGL Data-share Consensus. Not counted in ClinVar's aggregate classification.

Clinical Genetics, Academic Medical Center
Classification: Benign. Review status: no assertion criteria provided. Collection method: clinical testing. Allele origin: germline. Affected: yes. Study: VKGL Data-share Consensus. Not counted in ClinVar's aggregate classification.

NM_181507.2(HPS5):c.2441-8T>C

Gene: HPS5 (HPS5 biogenesis of lysosomal organelles complex 2 subunit 2; minus strand). Cytogenetic location: 11p15.1.
Variant type: single nucleotide variant.
Coding change: c.2441-8T>C on transcript NM_181507.2 (MANE Select); 8 bases into the intron before coding-DNA position 2441, T replaced by C.
Molecular consequence: intron variant.
Genome position (GRCh38, 1-based): chr11:18,288,021, A>G on the plus strand (T>C on the coding strand, the complement: HPS5 is on the minus strand). VCF-style: chr11-18288021-A-G. GRCh37 (hg19) VCF-style: chr11-18309568-A-G.
Other names: p.?; c.2441-8T>C (NM_001440902.1, NM_001440904.1, NM_001440917.1 and 4 more transcripts); c.2255-8T>C (NM_001440918.1); c.2366-8T>C (NM_001440908.1, NM_001440907.1, NM_001440909.1); c.2027-8T>C (NM_001440929.1, NM_001440928.1, NM_001440927.1); c.2099-8T>C (NM_181508.2, NM_001440921.1, NM_001440926.1 and 7 more transcripts); c.2330-8T>C (NM_001440915.1, NM_001440914.1, NM_001440913.1); c.1863-1311T>C (NM_001440931.1); and 1 more.
Identifiers: ClinVar variation 303877 (VCV000303877.25), dbSNP rs144196437, ClinGen allele CA5909847.